The following is an entry in ClinVar:

NM_002168.4(IDH2):c.373+5G>A

Gene: IDH2 (isocitrate dehydrogenase (NADP(+)) 2; minus strand). Cytogenetic location: 15q26.1.
Variant type: single nucleotide variant.
Coding change: c.373+5G>A on transcript NM_002168.4 (MANE Select); 5 bases into the intron after coding-DNA position 373, G replaced by A.
Molecular consequence: intron variant.
Genome position (GRCh38, 1-based): chr15:90,090,474, C>T on the plus strand (G>A on the coding strand, the complement: IDH2 is on the minus strand). VCF-style: chr15-90090474-C-T. GRCh37 (hg19) VCF-style: chr15-90633706-C-T.
Other names: c.-17-1727G>A (NM_001290114.2); c.217+5G>A (NM_001289910.1).
Identifiers: ClinVar variation 1030527 (VCV001030527.1), dbSNP rs1901004338, ClinGen allele CA972666367.

ClinVar aggregate classification (germline): Uncertain significance (1 of 4 stars; one submission).

Conditions:
D-2-hydroxyglutaric aciduria 2 (D2HGA2). Identifiers: Orphanet 79315, MedGen C3150909, MONDO:0013345, OMIM 613657.

Allele frequency attached by ClinVar (database versions not stated): gnomAD 0.00001.
gnomAD v4.1: 4 of 1,612,802 alleles (0.00025%); highest among the groups gnomAD compares: Admixed American, 0.0017%; no homozygotes.

Submission:

Baylor Genetics
Classification: Uncertain significance for D-2-hydroxyglutaric aciduria 2. Last evaluated: 2019-08-15. Review status: criteria provided, single submitter. Criteria: ACMG Guidelines, 2015. Collection method: clinical testing. Allele origin: unknown. Affected: yes.
Comment: This variant was determined to be of uncertain significance according to ACMG Guidelines, 2015 [PMID:25741868].